The following is an entry in ClinVar:

NM_020964.3(EPG5):c.1443C>G (p.Asn481Lys)

Gene: EPG5 (ectopic P-granules 5 autophagy tethering factor; minus strand). Cytogenetic location: 18q21.1.
Variant type: single nucleotide variant.
Coding change: c.1443C>G on transcript NM_020964.3 (MANE Select); coding-DNA position 1443, C replaced by G.
Protein change: p.Asn481Lys; replaces asparagine 481 with lysine.
Molecular consequence: missense variant.
Genome position (GRCh38, 1-based): chr18:45,949,538, G>C on the plus strand (C>G on the coding strand, the complement: EPG5 is on the minus strand). VCF-style: chr18-45949538-G-C. GRCh37 (hg19) VCF-style: chr18-43529504-G-C.
Other names: c.1443C>G, p.Asn481Lys (NM_001410858.1, NM_001410859.1); short protein forms N481K.
Identifiers: ClinVar variation 2097310 (VCV002097310.4), dbSNP rs2512073740, ClinGen allele CA402349364.

ClinVar aggregate classification (germline): Uncertain significance (1 of 4 stars; one submission).

Conditions:
Vici syndrome (VICIS). Identifiers: Orphanet 1493, MedGen C1855772, MONDO:0009452, OMIM 242840.

Submission:

Labcorp Genetics (formerly Invitae), Labcorp
Classification: Uncertain significance for Vici syndrome. Last evaluated: 2022-02-12. Review status: criteria provided, single submitter. Criteria: Invitae Variant Classification Sherloc (09022015). Collection method: clinical testing. Allele origin: germline.
Comment: In summary, the available evidence is currently insufficient to determine the role of this variant in disease. Therefore, it has been classified as a Variant of Uncertain Significance. Algorithms developed to predict the effect of sequence changes on RNA splicing suggest that this variant may create or strengthen a splice site. Algorithms developed to predict the effect of missense changes on protein structure and function are either unavailable or do not agree on the potential impact of this missense change (SIFT: "Tolerated"; PolyPhen-2: "Probably Damaging"; Align-GVGD: "Class C0"). This variant has not been reported in the literature in individuals affected with EPG5-related conditions. This variant is not present in population databases (gnomAD no frequency). This sequence change replaces asparagine, which is neutral and polar, with lysine, which is basic and polar, at codon 481 of the EPG5 protein (p.Asn481Lys).